The following is an entry in ClinVar:

ClinVar aggregate classification (germline): Uncertain significance (1 of 4 stars; one submission).

Submission:

Medical Genetic Center, Changzhi Maternal and Child Health Care Hospital
Classification: Uncertain significance. Last evaluated: 2025-12-10. Review status: criteria provided, single submitter. Criteria: ACMG/ClinGen CNV Guidelines, 2019. Collection method: clinical testing. Allele origin: unknown.

GRCh38/hg38 4q21.21(chr4:79910185-80314410)x1

Genes: ANTXR2 (ANTXR cell adhesion molecule 2; minus strand), FGF5 (fibroblast growth factor 5; plus strand), PRDM8 (PR/SET domain 8; plus strand), PRDM8-AS1 (PRDM8 antisense RNA 1; minus strand), LOC116158501 (CRISPRi-validated cis-regulatory element chr4.2002; plus strand) and 16 more. Cytogenetic location: 4q21.21.
Variant type: copy number loss.
Change: copy number 1 (one copy instead of two) of chr4:79,910,185-80,314,410 (404.2 kb, GRCh38 coordinates, 1-based), cytogenetic band 4q21.21.
Identifiers: ClinVar variation 4796230 (VCV004796230.1).